The following is an entry in ClinVar:

ClinVar aggregate classification (germline): Likely benign. Review status: criteria provided, single submitter (1 of 4 stars). 2 submissions from 2 submitters: Likely benign (1). 1 of the submissions does not count toward it. Last evaluated 2026-01-24.

Conditions:
Sulfite oxidase deficiency due to molybdenum cofactor deficiency type A. Also called: Molybdenum cofactor deficiency, complementation group A; Molybdenum Cofactor Deficiency A. Identifiers: Orphanet 308386, Orphanet 833, MedGen C1854988, MONDO:0009643, OMIM 252150.
MOCS1-related disorder. Also called: MOCS1-related condition.

Allele frequency attached by ClinVar (database versions not stated): ExAC 0.00008; ESP Exome Variant Server 0.00008; gnomAD 0.00008 and 0.00009; 1000 Genomes Project 30x 0.00031.
gnomAD v4.1: 155 of 1,612,842 alleles (0.0096%); highest among the groups gnomAD compares: Middle Eastern, 0.017%; no homozygotes.

Submissions (2):

Labcorp Genetics (formerly Invitae), Labcorp
Classification: Likely benign for Sulfite oxidase deficiency due to molybdenum cofactor deficiency type A. Last evaluated: 2026-01-24. Review status: criteria provided, single submitter. Criteria: Invitae Variant Classification Sherloc (09022015). Collection method: clinical testing. Allele origin: germline.

PreventionGenetics, part of Exact Sciences
Classification: Likely benign for MOCS1-related condition. Last evaluated: 2024-04-25. Review status: no assertion criteria provided. Collection method: clinical testing. Allele origin: germline. Not counted in ClinVar's aggregate classification.
Comment: This variant is classified as likely benign based on ACMG/AMP sequence variant interpretation guidelines (Richards et al. 2015 PMID: 25741868, with internal and published modifications).

NM_001358530.2(MOCS1):c.306G>C (p.Leu102=)

Gene: MOCS1 (molybdenum cofactor synthesis 1; minus strand). Cytogenetic location: 6p21.2.
Variant type: single nucleotide variant.
Coding change: c.306G>C on transcript NM_001358530.2 (MANE Select); coding-DNA position 306, G replaced by C.
Protein change: p.Leu102=; no amino-acid change (leucine 102 retained).
Molecular consequence: synonymous variant. On other transcripts: non-coding transcript variant (1).
Genome position (GRCh38, 1-based): chr6:39,925,790, C>G on the plus strand (G>C on the coding strand, the complement: MOCS1 is on the minus strand). VCF-style: chr6-39925790-C-G. GRCh37 (hg19) VCF-style: chr6-39893534-C-G.
Other names: c.306G>C, p.Leu102= (NM_001075098.4, NM_001358529.2, NM_005943.6); c.45G>C, p.Leu15= (NM_001358531.2, NM_001358533.2, NM_001358534.2); c.306G>C (NM_005943.5).
Identifiers: ClinVar variation 1093037 (VCV001093037.10), dbSNP rs374895706, ClinGen allele CA3796350.